The following is an entry in ClinVar:

NM_001130823.3(DNMT1):c.3809A>G (p.Tyr1270Cys)

Gene: DNMT1 (DNA methyltransferase 1; minus strand). Cytogenetic location: 19p13.2.
Variant type: single nucleotide variant.
Coding change: c.3809A>G on transcript NM_001130823.3 (MANE Select); coding-DNA position 3809, A replaced by G.
Protein change: p.Tyr1270Cys; replaces tyrosine 1270 with cysteine.
Molecular consequence: missense variant.
Genome position (GRCh38, 1-based): chr19:10,139,815, T>C on the plus strand (A>G on the coding strand, the complement: DNMT1 is on the minus strand). VCF-style: chr19-10139815-T-C. GRCh37 (hg19) VCF-style: chr19-10250491-T-C.
Other names: c.3761A>G, p.Tyr1254Cys (NM_001318730.2, NM_001379.4); c.3446A>G, p.Tyr1149Cys (NM_001318731.2); short protein forms Y1254C, Y1270C, Y1149C.
Identifiers: ClinVar variation 1435184 (VCV001435184.8), dbSNP rs2145264391, ClinGen allele CA403972652.

ClinVar aggregate classification (germline): Uncertain significance (1 of 4 stars; one submission).

Conditions:
Hereditary sensory neuropathy-deafness-dementia syndrome. Also called: Hereditary Sensory and Autonomic Neuropathy Type 1E (HSAN1E); NEUROPATHY, HEREDITARY SENSORY, WITH HEARING LOSS AND DEMENTIA; HSN IE; Hereditary sensory neuropathy type IE. Identifiers: Orphanet 456318, MedGen C3279885, MONDO:0013584, OMIM 614116.

Submission:

Labcorp Genetics (formerly Invitae), Labcorp
Classification: Uncertain significance for Hereditary sensory neuropathy-deafness-dementia syndrome. Last evaluated: 2021-03-09. Review status: criteria provided, single submitter. Criteria: Invitae Variant Classification Sherloc (09022015). Collection method: clinical testing. Allele origin: germline.
Comment: This sequence change replaces tyrosine with cysteine at codon 1270 of the DNMT1 protein (p.Tyr1270Cys). The tyrosine residue is highly conserved and there is a large physicochemical difference between tyrosine and cysteine. This variant is not present in population databases (ExAC no frequency). This variant has not been reported in the literature in individuals with DNMT1-related conditions. Algorithms developed to predict the effect of missense changes on protein structure and function are either unavailable or do not agree on the potential impact of this missense change (SIFT: "Deleterious"; PolyPhen-2: "Probably Damaging"; Align-GVGD: "Class C0"). In summary, the available evidence is currently insufficient to determine the role of this variant in disease. Therefore, it has been classified as a Variant of Uncertain Significance.